The following is an entry in ClinVar:

ClinVar aggregate classification (germline): Uncertain significance (1 of 4 stars; one submission).

Conditions:
Inborn genetic diseases. Identifiers: MedGen C0950123, MeSH D030342.

Submission:

Ambry Genetics
Classification: Uncertain significance for Inborn genetic diseases. Last evaluated: 2026-02-22. Review status: criteria provided, single submitter. Criteria: Ambry Variant Classification Scheme 2023. Collection method: clinical testing. Allele origin: germline.
Comment: The p.A142E variant (also known as c.425C>A), located in coding exon 3 of the ANKRD26 gene, results from a C to A substitution at nucleotide position 425. The alanine at codon 142 is replaced by glutamic acid, an amino acid with dissimilar properties. This amino acid position is conserved. In addition, this alteration is predicted to be tolerated by in silico analysis. Based on the available evidence, the clinical significance of this variant remains unclear.

NM_014915.3(ANKRD26):c.425C>A (p.Ala142Glu)

Gene: ANKRD26 (ankyrin repeat domain 26; minus strand). Cytogenetic location: 10p12.1.
Variant type: single nucleotide variant.
Coding change: c.425C>A on transcript NM_014915.3 (MANE Select); coding-DNA position 425, C replaced by A.
Protein change: p.Ala142Glu; replaces alanine 142 with glutamic acid.
Molecular consequence: missense variant.
Genome position (GRCh38, 1-based): chr10:27,093,455, G>T on the plus strand (C>A on the coding strand, the complement: ANKRD26 is on the minus strand). VCF-style: chr10-27093455-G-T. GRCh37 (hg19) VCF-style: chr10-27382384-G-T.
Other names: c.425C>A, p.Ala142Glu (NM_001256053.2); short protein forms A142E.
Identifiers: ClinVar variation 4845158 (VCV004845158.1).